The following is an entry in ClinVar:

NM_183235.3(RAB27A):c.638_642del (p.Glu213fs)

Gene: RAB27A (RAB27A, member RAS oncogene family; minus strand). Cytogenetic location: 15q21.3.
Variant type: Deletion.
Coding change: c.638_642del on transcript NM_183235.3 (MANE Select); coding-DNA positions 638 to 642, 5 bases deleted (AAAAG; older notation c.638_642delAAAAG).
Protein change: p.Glu213fs; shifts the reading frame from glutamic acid 213.
Molecular consequence: frameshift variant.
Genome position (GRCh38, 1-based): chr15:55,205,531-55,205,535, CTTTT deleted on the plus strand (AAAAG on the coding strand, the reverse complement: RAB27A is on the minus strand); deleting any 5 consecutive bases within chr15:55,205,531-55,205,538 gives the same sequence; the c. name uses the placement nearest the transcript's 3' end. VCF-style (leftmost placement, unchanged base first): chr15-55205530-CCTTTT-C. GRCh37 (hg19) VCF-style: chr15-55497728-CCTTTT-C.
Other names: c.638_642del, p.Glu213fs (NM_004580.5, NM_183236.3); c.635_639delAAGAA, p.Glu213Glyfs (NM_183234.3); short protein forms E213fs.
Identifiers: ClinVar variation 2078065 (VCV002078065.4), dbSNP rs774131854, ClinGen allele CA7573514.

ClinVar aggregate classification (germline): Pathogenic (1 of 4 stars; one submission).

Conditions:
Griscelli syndrome type 2 (GS2). Also called: GRISCELLI SYNDROME WITH HEMOPHAGOCYTIC SYNDROME; PAID SYNDROME; PARTIAL ALBINISM AND IMMUNODEFICIENCY SYNDROME. Identifiers: Orphanet 381, Orphanet 79477, MedGen C1868679, MONDO:0011872, OMIM 607624.

Submission:

Labcorp Genetics (formerly Invitae), Labcorp
Classification: Pathogenic for Griscelli syndrome type 2. Last evaluated: 2025-04-25. Review status: criteria provided, single submitter. Criteria: Invitae Variant Classification Sherloc (09022015). Collection method: clinical testing. Allele origin: germline.
Comment: This sequence change creates a premature translational stop signal (p.Glu213Glyfs*29) in the RAB27A gene. While this is not anticipated to result in nonsense mediated decay, it is expected to disrupt the last 9 amino acid(s) of the RAB27A protein. This variant is present in population databases (rs774131854, gnomAD 0.006%). This premature translational stop signal has been observed in individual(s) with clinical features of hemophagocytic lymphohistiocytosis (PMID: 32542393; internal data). In at least one individual the data is consistent with being in trans (on the opposite chromosome) from a pathogenic variant. ClinVar contains an entry for this variant (Variation ID: 2078065). This variant disrupts a region of the RAB27A protein in which other variant(s) (p.Cys221Tyr) have been observed in individuals with RAB27A-related conditions (PMID: 25312756). This suggests that this is a clinically significant region of the protein, and that variants that disrupt it are likely to be disease-causing. For these reasons, this variant has been classified as Pathogenic.

Literature cited by the submitters: PubMed 32542393; PubMed 25312756.